The following is an entry in ClinVar:

ClinVar aggregate classification (germline): Uncertain significance (1 of 4 stars; one submission).

Conditions:
Inborn genetic diseases. Identifiers: MedGen C0950123, MeSH D030342.

gnomAD v4.1: 1 of 1,613,026 alleles (0.000062%); highest among the groups gnomAD compares: Non-Finnish European, 0.000085%; no homozygotes.

Submission:

Ambry Genetics
Classification: Uncertain significance for Inborn genetic diseases. Last evaluated: 2026-07-18. Review status: criteria provided, single submitter. Criteria: Ambry Variant Classification Scheme 2023. Collection method: clinical testing. Allele origin: germline.
Comment: The p.M358L variant (also known as c.1072A>C), located in coding exon 9 of the ANKRD26 gene, results from an A to C substitution at nucleotide position 1072. The methionine at codon 358 is replaced by leucine, an amino acid with highly similar properties. This amino acid position is conserved. In addition, this alteration is predicted to be tolerated by in silico analysis. Based on the available evidence, the clinical significance of this variant remains unclear.

NM_014915.3(ANKRD26):c.1072A>C (p.Met358Leu)

Gene: ANKRD26 (ankyrin repeat domain 26; minus strand). Cytogenetic location: 10p12.1.
Variant type: single nucleotide variant.
Coding change: c.1072A>C on transcript NM_014915.3 (MANE Select); coding-DNA position 1072, A replaced by C.
Protein change: p.Met358Leu; replaces methionine 358 with leucine.
Molecular consequence: missense variant.
Genome position (GRCh38, 1-based): chr10:27,077,343, T>G on the plus strand (A>C on the coding strand, the complement: ANKRD26 is on the minus strand). VCF-style: chr10-27077343-T-G. GRCh37 (hg19) VCF-style: chr10-27366272-T-G.
Other names: c.1072A>C, p.Met358Leu (NM_001256053.2); short protein forms M358L.
Identifiers: ClinVar variation 5023139 (VCV005023139.1).
Genomic context (GRCh38, chr10:27,077,343, plus strand): 5'-GATTGTTGGGGCAGGGGAAGGGTACATGAAAAAAGTTTTTTAAAAAACAACTTACCTTCA[T>G]AAGACCAGGGTTTGCTAACGACTTGTGGGAAGGTTTTGGAAGAAGGTCAGGTGATTGATA-3'
Protein context (NP_055730.2, residues 348-368): SHKSLANPGL[Met358Leu]KEEPTKPGIA